The following is an entry in ClinVar:

NM_005876.5(SPEG):c.2782C>T (p.Arg928Trp)

Gene: SPEG (striated muscle enriched protein kinase; plus strand). Cytogenetic location: 2q35.
Variant type: single nucleotide variant.
Coding change: c.2782C>T on transcript NM_005876.5 (MANE Select); coding-DNA position 2782, C replaced by T.
Protein change: p.Arg928Trp; replaces arginine 928 with tryptophan.
Molecular consequence: missense variant.
Genome position (GRCh38, 1-based): chr2:219,464,509, C>T. VCF-style: chr2-219464509-C-T. GRCh37 (hg19) VCF-style: chr2-220329231-C-T.
Other names: c.235C>T, p.Arg79Trp (NM_001173476.2); short protein forms R928W, R79W.
Identifiers: ClinVar variation 2191375 (VCV002191375.2), dbSNP rs774688575, ClinGen allele CA2125953.

ClinVar aggregate classification (germline): Uncertain significance (1 of 4 stars; one submission).

Allele frequency attached by ClinVar (database versions not stated): ExAC 0.00001; gnomAD exomes 0.00001.
gnomAD v4.1: 11 of 1,614,100 alleles (0.00068%); highest among the groups gnomAD compares: East Asian, 0.0022%; no homozygotes.

Submission:

Labcorp Genetics (formerly Invitae), Labcorp
Classification: Uncertain significance. Last evaluated: 2025-04-21. Review status: criteria provided, single submitter. Criteria: Invitae Variant Classification Sherloc (09022015). Collection method: clinical testing. Allele origin: germline.
Comment: This sequence change replaces arginine, which is basic and polar, with tryptophan, which is neutral and slightly polar, at codon 928 of the SPEG protein (p.Arg928Trp). This variant is present in population databases (rs774688575, gnomAD 0.01%). This variant has not been reported in the literature in individuals affected with SPEG-related conditions. ClinVar contains an entry for this variant (Variation ID: 2191375). An algorithm developed to predict the effect of missense changes on protein structure and function (PolyPhen-2) suggests that this variant is likely to be disruptive. In summary, the available evidence is currently insufficient to determine the role of this variant in disease. Therefore, it has been classified as a Variant of Uncertain Significance.